The following is an entry in ClinVar:

NM_018191.4(RCBTB1):c.1421C>T (p.Ser474Leu)

Gene: RCBTB1 (RCC1 and BTB domain containing protein 1; minus strand). Cytogenetic location: 13q14.2.
Variant type: single nucleotide variant.
Coding change: c.1421C>T on transcript NM_018191.4 (MANE Select); coding-DNA position 1421, C replaced by T.
Protein change: p.Ser474Leu; replaces serine 474 with leucine.
Molecular consequence: missense variant. On other transcripts: non-coding transcript variant (2).
Genome position (GRCh38, 1-based): chr13:49,540,910, G>A on the plus strand (C>T on the coding strand, the complement: RCBTB1 is on the minus strand). VCF-style: chr13-49540910-G-A. GRCh37 (hg19) VCF-style: chr13-50115046-G-A.
Other names: c.1421C>T, p.Ser474Leu (NM_001352500.2, NM_001352501.2, NM_001352502.2 and 2 more transcripts); c.842C>T, p.Ser281Leu (NM_001352506.2); short protein forms S281L, S474L.
Identifiers: ClinVar variation 1043310 (VCV001043310.7), dbSNP rs558841970, ClinGen allele CA6982581.

ClinVar aggregate classification (germline): Uncertain significance. Review status: criteria provided, multiple submitters, no conflicts (2 of 4 stars). 2 submissions from 2 submitters: Uncertain significance (2). Last evaluated 2023-05-11.

Allele frequency attached by ClinVar (database versions not stated): gnomAD 0.00003 and 0.00005; gnomAD exomes 0.00004 and 0.00007; TOPMed 0.00004; ExAC 0.00005; 1000 Genomes Project 30x 0.00016; 1000 Genomes Project 0.00020.
gnomAD v4.1: 63 of 1,613,908 alleles (0.0039%); highest among the groups gnomAD compares: South Asian, 0.049%; no homozygotes.

Submissions (2):

Blueprint Genetics
Classification: Uncertain significance. Last evaluated: 2023-05-11. Review status: criteria provided, single submitter. Criteria: ACMG Guidelines, 2015. Collection method: clinical testing. Allele origin: germline.

Labcorp Genetics (formerly Invitae), Labcorp
Classification: Uncertain significance. Last evaluated: 2022-03-15. Review status: criteria provided, single submitter. Criteria: Invitae Variant Classification Sherloc (09022015). Collection method: clinical testing. Allele origin: germline.
Comment: This sequence change replaces serine, which is neutral and polar, with leucine, which is neutral and non-polar, at codon 474 of the RCBTB1 protein (p.Ser474Leu). This variant is present in population databases (rs558841970, gnomAD 0.05%). This variant has not been reported in the literature in individuals affected with RCBTB1-related conditions. ClinVar contains an entry for this variant (Variation ID: 1043310). Algorithms developed to predict the effect of missense changes on protein structure and function (SIFT, PolyPhen-2, Align-GVGD) all suggest that this variant is likely to be tolerated. In summary, the available evidence is currently insufficient to determine the role of this variant in disease. Therefore, it has been classified as a Variant of Uncertain Significance.